The following is an entry in ClinVar:

ClinVar aggregate classification (germline): Pathogenic (1 of 4 stars; one submission).

Conditions:
Hereditary breast ovarian cancer syndrome. Also called: Hereditary breast and ovarian cancer; BRCA1- and BRCA2-Associated Hereditary Breast and Ovarian Cancer; Hereditary breast and/or ovarian cancer syndrome; Hereditary breast and ovarian cancer syndrome; Hereditary breast and ovarian cancer syndrome (HBOC); Breast and ovarian cancer. Identifiers: Orphanet 145, MedGen C0677776, MeSH D061325, MONDO:0003582. Disease mechanism: loss of function.

Submission:

Labcorp Genetics (formerly Invitae), Labcorp
Classification: Pathogenic for Hereditary breast ovarian cancer syndrome. Last evaluated: 2019-08-14. Review status: criteria provided, single submitter. Criteria: Invitae Variant Classification Sherloc (09022015). Collection method: clinical testing. Allele origin: germline.
Comment: This sequence change creates a premature translational stop signal (p.Glu1004Glyfs*7) in the BRCA1 gene. It is expected to result in an absent or disrupted protein product. This variant is not present in population databases (ExAC no frequency). This variant has not been reported in the literature in individuals with BRCA1-related conditions. Loss-of-function variants in BRCA1 are known to be pathogenic (PMID: 20104584). For these reasons, this variant has been classified as Pathogenic.

Literature cited by the submitters: PubMed 20104584.

NM_007294.4(BRCA1):c.3011_3012del (p.Glu1004fs)

Gene: BRCA1 (BRCA1 DNA repair associated; minus strand). Cytogenetic location: 17q21.31.
Variant type: Deletion.
Coding change: c.3011_3012del on transcript NM_007294.4 (MANE Select); coding-DNA positions 3011 to 3012, 2 bases deleted (AG; older notation c.3011_3012delAG).
Protein change: p.Glu1004fs; shifts the reading frame from glutamic acid 1004.
Molecular consequence: frameshift variant. On other transcripts: intron variant (137).
Genome position (GRCh38, 1-based): chr17:43,092,519-43,092,520, CT deleted on the plus strand (AG on the coding strand, the reverse complement: BRCA1 is on the minus strand); deleting any 2 consecutive bases within chr17:43,092,519-43,092,521 gives the same sequence; the c. name uses the placement nearest the transcript's 3' end. VCF-style (leftmost placement, unchanged base first): chr17-43092518-CCT-C. GRCh37 (hg19) VCF-style: chr17-41244535-CCT-C.
Other names: c.2798_2799del, p.Glu933fs (NM_001407571.1, NM_001407853.1, NM_001407894.1 and 9 more transcripts); c.3011_3012del, p.Glu1004fs (NM_001407581.1, NM_001407582.1, NM_001407583.1 and 30 more transcripts); c.3008_3009del, p.Glu1003fs (NM_001407587.1, NM_001407590.1, NM_001407591.1 and 22 more transcripts); c.3002_3003del, p.Glu1001fs (NM_001407646.1, NM_001407647.1); c.2888_2889del, p.Glu963fs (NM_001407648.1, NM_001407664.1, NM_001407665.1 and 19 more transcripts); c.2885_2886del, p.Glu962fs (NM_001407649.1, NM_001407670.1, NM_001407671.1 and 11 more transcripts); c.2933_2934del, p.Glu978fs (NM_001407653.1, NM_001407654.1, NM_001407655.1 and 4 more transcripts); c.2930_2931del, p.Glu977fs (NM_001407659.1, NM_001407660.1, NM_001407661.1 and 1 more transcripts); and 42 more; short protein forms E1004fs, E957fs, E877fs, E892fs, E1003fs, E876fs, E934fs, E936fs.
Identifiers: ClinVar variation 960838 (VCV000960838.9), dbSNP rs2053656452, ClinGen allele CA1139665622.